The following is an entry in ClinVar:

NM_000548.5(TSC2):c.4176G>C (p.Gln1392His)

Gene: TSC2 (TSC complex subunit 2; plus strand). Cytogenetic location: 16p13.3.
Variant type: single nucleotide variant.
Coding change: c.4176G>C on transcript NM_000548.5 (MANE Select); coding-DNA position 4176, G replaced by C.
Protein change: p.Gln1392His; replaces glutamine 1392 with histidine.
Molecular consequence: missense variant.
Genome position (GRCh38, 1-based): chr16:2,084,398, G>C. VCF-style: chr16-2084398-G-C. GRCh37 (hg19) VCF-style: chr16-2134399-G-C.
Other names: c.3975G>C, p.Gln1325His (NM_001077183.3); c.4107G>C, p.Gln1369His (NM_001114382.3); c.3867G>C, p.Gln1289His (NM_001318827.2); c.3831G>C, p.Gln1277His (NM_001318829.2); c.3444G>C, p.Gln1148His (NM_001318831.2); c.4008G>C, p.Gln1336His (NM_001318832.2); c.3978G>C, p.Gln1326His (NM_001363528.2); c.4044G>C, p.Gln1348His (NM_001370404.1); and 1 more; short protein forms Q1392H, Q1325H, Q1277H, Q1348H, Q1349H, Q1148H, Q1326H, Q1369H.
Identifiers: ClinVar variation 535977 (VCV000535977.9), dbSNP rs749930791, ClinGen allele CA394299781.
Genomic context (GRCh38, chr16:2,084,398, plus strand): 5'-GGACCTCTCCTTCCAGCCCTCGCAGCCCCTGAGCAAGTCCAGCTCCTCTCCCGAGCTGCA[G>C]ACTCTGCAGGACATCCTCGGGGACCCTGGGGACAAGGCCGACGTGGGCCGGCTGAGCCCT-3'
Protein context (NP_000539.2, residues 1382-1402): LSKSSSSPEL[Gln1392His]TLQDILGDPG

ClinVar aggregate classification (germline): Uncertain significance. Review status: criteria provided, multiple submitters, no conflicts (2 of 4 stars). 2 submissions from 2 submitters: Uncertain significance (2). Last evaluated 2025-11-19.

Conditions:
Tuberous sclerosis 2 (TSC2). Identifiers: Orphanet 805, MedGen C1860707, MONDO:0013199, OMIM 613254.
Hereditary cancer-predisposing syndrome. Also called: Neoplastic Syndromes, Hereditary; Tumor predisposition; Hereditary Cancer Syndrome; Hereditary neoplastic syndrome. Identifiers: Orphanet 140162, MedGen C0027672, MeSH D009386, MONDO:0015356.

Submissions (2):

Ambry Genetics
Classification: Uncertain significance for Hereditary cancer-predisposing syndrome. Last evaluated: 2025-11-19. Review status: criteria provided, single submitter. Criteria: Ambry Variant Classification Scheme 2023. Collection method: clinical testing. Allele origin: germline.
Comment: The p.Q1392H variant (also known as c.4176G>C), located in coding exon 33 of the TSC2 gene, results from a G to C substitution at nucleotide position 4176. The glutamine at codon 1392 is replaced by histidine, an amino acid with highly similar properties. This amino acid position is conserved. In addition, this alteration is predicted to be deleterious by in silico analysis. Based on the available evidence, the clinical significance of this variant remains unclear.

Labcorp Genetics (formerly Invitae), Labcorp
Classification: Uncertain significance for Tuberous sclerosis 2. Last evaluated: 2021-08-22. Review status: criteria provided, single submitter. Criteria: Invitae Variant Classification Sherloc (09022015). Collection method: clinical testing. Allele origin: germline.
Comment: In summary, the available evidence is currently insufficient to determine the role of this variant in disease. Therefore, it has been classified as a Variant of Uncertain Significance. Algorithms developed to predict the effect of missense changes on protein structure and function do not agree on the potential impact of this missense change (SIFT: "Tolerated"; PolyPhen-2: "Probably Damaging"; Align-GVGD: "Class C0"). This variant has not been reported in the literature in individuals with TSC2-related disease. This variant is not present in population databases (ExAC no frequency). This sequence change replaces glutamine with histidine at codon 1392 of the TSC2 protein (p.Gln1392His). The glutamine residue is highly conserved and there is a small physicochemical difference between glutamine and histidine.